The following is an entry in ClinVar:

ClinVar aggregate classification (germline): Uncertain significance (1 of 4 stars; one submission).

Allele frequency attached by ClinVar (database versions not stated): gnomAD exomes below 0.00001.

Submission:

GeneDx
Classification: Uncertain significance. Last evaluated: 2022-01-10. Review status: criteria provided, single submitter. Criteria: GeneDx Variant Classification Process June 2021. Collection method: clinical testing. Allele origin: germline. Affected: yes.
Comment: Not observed at significant frequency in large population cohorts (gnomAD); In silico analysis supports that this missense variant has a deleterious effect on protein structure/function; Has not been previously published as pathogenic or benign to our knowledge

NM_002739.5(PRKCG):c.556A>G (p.Met186Val)

Gene: PRKCG (protein kinase C gamma; plus strand). Cytogenetic location: 19q13.42.
Variant type: single nucleotide variant.
Coding change: c.556A>G on transcript NM_002739.5 (MANE Select); coding-DNA position 556, A replaced by G.
Protein change: p.Met186Val; replaces methionine 186 with valine.
Molecular consequence: missense variant.
Genome position (GRCh38, 1-based): chr19:53,891,700, A>G. VCF-style: chr19-53891700-A-G. GRCh37 (hg19) VCF-style: chr19-54394954-A-G.
Other names: c.556A>G, p.Met186Val (NM_001316329.2); short protein forms M186V.
Identifiers: ClinVar variation 1695804 (VCV001695804.2), dbSNP rs2122994203, ClinGen allele CA407414900.
Genomic context (GRCh38, chr19:53,891,700, plus strand): 5'-TAACCCGTCACACTCTTCCTCACTCCCCGTTTAGTTGGCGAGGCCCGTAACCTAATTCCT[A>G]TGGACCCCAATGGTCTCTCTGATCCCTATGTGAAACTGAAGCTCATCCCAGACCCTCGGA-3'
Protein context (NP_002730.1, residues 176-196): TVGEARNLIP[Met186Val]DPNGLSDPYV